The following is an entry in ClinVar:

NM_001267550.2(TTN):c.79427_79428dup (p.Val26477fs)

Genes: TTN-AS1 (TTN antisense RNA 1; plus strand), TTN (titin; minus strand). Cytogenetic location: 2q31.2.
Variant type: Duplication.
Coding change: c.79427_79428dup on transcript NM_001267550.2 (MANE Select); coding-DNA positions 79427 to 79428, 2 bases duplicated (CA; older notation c.79427_79428dupCA).
Protein change: p.Val26477fs; shifts the reading frame from valine 26477.
Molecular consequence: frameshift variant.
Genome position (GRCh38, 1-based): chr2:178,566,704-178,566,705, TG duplicated on the plus strand (CA on the coding strand, the reverse complement: TTN is on the minus strand); duplicating any 2 consecutive bases within chr2:178,566,704-178,566,706 gives the same sequence; the c. name uses the placement nearest the transcript's 3' end. VCF-style (leftmost placement, unchanged base first): chr2-178566703-C-CTG. GRCh37 (hg19) VCF-style: chr2-179431430-C-CTG.
Other names: c.74504_74505dup, p.Val24836fs (NM_001256850.1); c.52232_52233dup, p.Val17412fs (NM_003319.4); c.71723_71724dup, p.Val23909fs (NM_133378.4); c.52607_52608dup, p.Val17537fs (NM_133432.3); c.52808_52809dup, p.Val17604fs (NM_133437.4); short protein forms V17537fs, V26477fs, V24836fs, V17412fs, V17604fs, V23909fs.
Identifiers: ClinVar variation 2108509 (VCV002108509.4), dbSNP rs2468296507, ClinGen allele CA2580064600.

ClinVar aggregate classification (germline): Likely pathogenic (1 of 4 stars; one submission).

Conditions:
Dilated cardiomyopathy 1G (CMD1G). Identifiers: Orphanet 154, MedGen C1858763, MONDO:0011400, OMIM 604145.
Autosomal recessive limb-girdle muscular dystrophy type 2J (LGMDR10). Also called: Limb-girdle muscular dystrophy, type 2J; MUSCULAR DYSTROPHY, LIMB-GIRDLE, AUTOSOMAL RECESSIVE 10. Identifiers: Orphanet 140922, MedGen C1837342, MONDO:0012127, OMIM 608807.

Submission:

Labcorp Genetics (formerly Invitae), Labcorp
Classification: Likely pathogenic for Dilated cardiomyopathy 1G; Autosomal recessive limb-girdle muscular dystrophy type 2J. Last evaluated: 2022-03-10. Review status: criteria provided, single submitter. Criteria: Invitae Variant Classification Sherloc (09022015). Collection method: clinical testing. Allele origin: germline.
Comment: This sequence change creates a premature translational stop signal (p.Val26477Glnfs*22) in the TTN gene. While this is not anticipated to result in nonsense mediated decay, it is expected to create a truncated TTN protein. In summary, the currently available evidence indicates that the variant is pathogenic, but additional data are needed to prove that conclusively. Therefore, this variant has been classified as Likely Pathogenic. This variant is located in the A band of TTN (PMID: 25589632). Truncating variants in this region are significantly overrepresented in patients affected with dilated cardiomyopathy (PMID: 25589632). Truncating variants in this region have also been reported in individuals affected with autosomal recessive centronuclear myopathy (PMID: 23975875). This variant has not been reported in the literature in individuals affected with TTN-related conditions. This variant is not present in population databases (gnomAD no frequency).

Literature cited by the submitters: PubMed 25589632; PubMed 23975875.